The following is an entry in ClinVar:

NM_001042492.3(NF1):c.5164G>A (p.Glu1722Lys)

Gene: NF1 (neurofibromin 1; plus strand). Cytogenetic location: 17q11.2.
Variant type: single nucleotide variant.
Coding change: c.5164G>A on transcript NM_001042492.3 (MANE Select); coding-DNA position 5164, G replaced by A.
Protein change: p.Glu1722Lys; replaces glutamic acid 1722 with lysine.
Molecular consequence: missense variant.
Genome position (GRCh38, 1-based): chr17:31,326,148, G>A. VCF-style: chr17-31326148-G-A. GRCh37 (hg19) VCF-style: chr17-29653166-G-A.
Other names: c.5101G>A, p.Glu1701Lys (NM_000267.4); short protein forms E1722K, E1701K.
Identifiers: ClinVar variation 2126158 (VCV002126158.5), dbSNP rs2151538756, ClinGen allele CA399007867.
Genomic context (GRCh38, chr17:31,326,148, plus strand): 5'-GGTAGCAAAAGGCTTGTTTTCATAGACTGTCCTGGGAAACTGGCTGAGCACATAGAGCAT[G>A]AACAACAGAAACTACCTGCTGCCACCTTGGCTTTAGAAGAGGACCTGAAGGTATTCCACA-3'
Protein context (NP_001035957.1, residues 1712-1732): PGKLAEHIEH[Glu1722Lys]QQKLPAATLA

ClinVar aggregate classification (germline): Uncertain significance. Review status: criteria provided, multiple submitters, no conflicts (2 of 4 stars). 2 submissions from 2 submitters: Uncertain significance (2). Last evaluated 2023-09-13.

Conditions:
Juvenile myelomonocytic leukemia (JMML). Also called: LEUKEMIA, JUVENILE MYELOMONOCYTIC, SOMATIC. Identifiers: Orphanet 86834, MedGen C0349639, MONDO:0011908, OMIM 607785, HP:0012209.
Neurofibromatosis, type 1 (NF1). Also called: Peripheral type neurofibromatosis; NEUROFIBROMATOSIS, TYPE I, SOMATIC; Neurofibromatosis, type I; VON RECKLINGHAUSEN DISEASE. Identifiers: Orphanet 636, MedGen C0027831, MONDO:0018975, OMIM 162200. Disease mechanism: loss of function.

Submissions (2):

Baylor Genetics
Classification: Uncertain significance for Juvenile myelomonocytic leukemia. Last evaluated: 2023-09-13. Review status: criteria provided, single submitter. Criteria: ACMG Guidelines, 2015. Collection method: clinical testing. Allele origin: unknown.

Labcorp Genetics (formerly Invitae), Labcorp
Classification: Uncertain significance for Neurofibromatosis, type 1. Last evaluated: 2022-04-16. Review status: criteria provided, single submitter. Criteria: Invitae Variant Classification Sherloc (09022015). Collection method: clinical testing. Allele origin: germline.
Comment: In summary, the available evidence is currently insufficient to determine the role of this variant in disease. Therefore, it has been classified as a Variant of Uncertain Significance. Advanced modeling of protein sequence and biophysical properties (such as structural, functional, and spatial information, amino acid conservation, physicochemical variation, residue mobility, and thermodynamic stability) performed at Invitae indicates that this missense variant is not expected to disrupt NF1 protein function. This variant has not been reported in the literature in individuals affected with NF1-related conditions. This variant is not present in population databases (gnomAD no frequency). This sequence change replaces glutamic acid, which is acidic and polar, with lysine, which is basic and polar, at codon 1701 of the NF1 protein (p.Glu1701Lys).